The following is an entry in ClinVar:

NM_002618.4(PEX13):c.1169C>T (p.Ala390Val)

Gene: PEX13 (peroxisomal biogenesis factor 13; plus strand). Cytogenetic location: 2p15.
Variant type: single nucleotide variant.
Coding change: c.1169C>T on transcript NM_002618.4 (MANE Select); coding-DNA position 1169, C replaced by T.
Protein change: p.Ala390Val; replaces alanine 390 with valine.
Molecular consequence: missense variant.
Genome position (GRCh38, 1-based): chr2:61,048,727, C>T. VCF-style: chr2-61048727-C-T. GRCh37 (hg19) VCF-style: chr2-61275862-C-T.
Other names: short protein forms A390V.
Identifiers: ClinVar variation 1716404 (VCV001716404.5), dbSNP rs2467530757, ClinGen allele CA346950305.

ClinVar aggregate classification (germline): Uncertain significance (1 of 4 stars; one submission).

Conditions:
Peroxisome biogenesis disorder 11A (Zellweger). Also called: Peroxisome biogenesis disorder 11A. Identifiers: Orphanet 912, MedGen C3554000, MONDO:0013949, OMIM 614883.

Submission:

Labcorp Genetics (formerly Invitae), Labcorp
Classification: Uncertain significance for Peroxisome biogenesis disorder 11A (Zellweger). Last evaluated: 2022-11-22. Review status: criteria provided, single submitter. Criteria: Invitae Variant Classification Sherloc (09022015). Collection method: clinical testing. Allele origin: germline.
Comment: In summary, the available evidence is currently insufficient to determine the role of this variant in disease. Therefore, it has been classified as a Variant of Uncertain Significance. Algorithms developed to predict the effect of missense changes on protein structure and function output the following: SIFT: "Tolerated"; PolyPhen-2: "Benign"; Align-GVGD: "Class C0". The valine amino acid residue is found in multiple mammalian species, which suggests that this missense change does not adversely affect protein function. This variant has not been reported in the literature in individuals affected with PEX13-related conditions. This variant is not present in population databases (gnomAD no frequency). This sequence change replaces alanine, which is neutral and non-polar, with valine, which is neutral and non-polar, at codon 390 of the PEX13 protein (p.Ala390Val).